The following is an entry in ClinVar:

NM_002519.3(NPAT):c.3358G>C (p.Glu1120Gln)

Gene: NPAT (nuclear protein, coactivator of histone transcription; minus strand). Cytogenetic location: 11q22.3.
Variant type: single nucleotide variant.
Coding change: c.3358G>C on transcript NM_002519.3 (MANE Select); coding-DNA position 3358, G replaced by C.
Protein change: p.Glu1120Gln; replaces glutamic acid 1120 with glutamine.
Molecular consequence: missense variant.
Genome position (GRCh38, 1-based): chr11:108,161,728, C>G on the plus strand (G>C on the coding strand, the complement: NPAT is on the minus strand). VCF-style: chr11-108161728-C-G. GRCh37 (hg19) VCF-style: chr11-108032455-C-G.
Other names: c.3379G>C, p.Glu1127Gln (NM_001321307.1); short protein forms E1120Q, E1127Q.
Identifiers: ClinVar variation 3407211 (VCV003407211.1).

ClinVar aggregate classification (germline): Uncertain significance (1 of 4 stars; one submission).

gnomAD v4.1: 4 of 1,613,674 alleles (0.00025%); highest among the groups gnomAD compares: Non-Finnish European, 0.00034%; no homozygotes.

Submission:

Ambry Genetics
Classification: Uncertain significance. Last evaluated: 2024-09-09. Review status: criteria provided, single submitter. Criteria: Ambry Variant Classification Scheme 2023. Collection method: clinical testing. Allele origin: germline.
Comment: The p.E1120Q variant (also known as c.3358G>C), located in coding exon 17 of the NPAT gene, results from a G to C substitution at nucleotide position 3358. The glutamic acid at codon 1120 is replaced by glutamine, an amino acid with highly similar properties. This amino acid position is conserved. In addition, this alteration is predicted to be tolerated by in silico analysis. Based on the available evidence, the clinical significance of this variant remains unclear.